The following is an entry in ClinVar:

NM_018897.3(DNAH7):c.7476T>C (p.Leu2492=)

Gene: DNAH7 (dynein axonemal heavy chain 7; minus strand). Cytogenetic location: 2q32.3.
Variant type: single nucleotide variant.
Coding change: c.7476T>C on transcript NM_018897.3 (MANE Select); coding-DNA position 7476, T replaced by C.
Protein change: p.Leu2492=; no amino-acid change (leucine 2492 retained).
Molecular consequence: synonymous variant.
Genome position (GRCh38, 1-based): chr2:195,864,179, A>G on the plus strand (T>C on the coding strand, the complement: DNAH7 is on the minus strand). VCF-style: chr2-195864179-A-G. GRCh37 (hg19) VCF-style: chr2-196728903-A-G.
Identifiers: ClinVar variation 3351524 (VCV003351524.1).

ClinVar aggregate classification (germline): Likely benign (0 of 4 stars; one submission).

Conditions:
DNAH7-related disorder. Also called: DNAH7-related condition.

Submission:

PreventionGenetics, part of Exact Sciences
Classification: Likely benign for DNAH7-related condition. Last evaluated: 2024-03-11. Review status: no assertion criteria provided. Collection method: clinical testing. Allele origin: germline.
Comment: This variant is classified as likely benign based on ACMG/AMP sequence variant interpretation guidelines (Richards et al. 2015 PMID: 25741868, with internal and published modifications).